The following is an entry in ClinVar:

NM_001609.4(ACADSB):c.640G>A (p.Ala214Thr)

Gene: ACADSB (acyl-CoA dehydrogenase short/branched chain; plus strand). Cytogenetic location: 10q26.13.
Variant type: single nucleotide variant.
Coding change: c.640G>A on transcript NM_001609.4 (MANE Select); coding-DNA position 640, G replaced by A.
Protein change: p.Ala214Thr; replaces alanine 214 with threonine.
Molecular consequence: missense variant.
Genome position (GRCh38, 1-based): chr10:123,041,338, G>A. VCF-style: chr10-123041338-G-A. GRCh37 (hg19) VCF-style: chr10-124800854-G-A.
Other names: c.334G>A, p.Ala112Thr (NM_001330174.3); short protein forms A112T, A214T.
Identifiers: ClinVar variation 2154651 (VCV002154651.4), dbSNP rs145529589, ClinGen allele CA5730757.
Genomic context (GRCh38, chr10:123,041,338, plus strand): 5'-AAAGAGGGAGATTATTATGTCCTCAATGGATCAAAGATGTGGATCAGCAGTGCTGAGCAC[G>A]CAGGGCTCTTTCTGGTGATGGCAAATGTAGACCCTACCATTGTAAGTTTGAAAACGAAAT-3'
Protein context (NP_001600.1, residues 204-224): SKMWISSAEH[Ala214Thr]GLFLVMANVD

ClinVar aggregate classification (germline): Uncertain significance (1 of 4 stars; one submission).

Conditions:
Deficiency of 2-methylbutyryl-CoA dehydrogenase (ACADSB). Also called: 2-methylbutyryl-CoA dehydrogenase deficiency; SBCAD deficiency; 2-methylbutyric aciduria; Short branched-chain acyl-CoA dehydrogenase deficiency; 2-methylbutyrylglycinuria. Identifiers: Orphanet 79157, MedGen C1864912, MONDO:0012392, OMIM 610006, HP:0020147.

Allele frequency attached by ClinVar (database versions not stated): gnomAD 0.00003; ESP Exome Variant Server 0.00008.
gnomAD v4.1: 62 of 1,614,062 alleles (0.0038%); highest among the groups gnomAD compares: Admixed American, 0.01%; no homozygotes.

Submission:

Labcorp Genetics (formerly Invitae), Labcorp
Classification: Uncertain significance for Deficiency of 2-methylbutyryl-CoA dehydrogenase. Last evaluated: 2022-05-27. Review status: criteria provided, single submitter. Criteria: Invitae Variant Classification Sherloc (09022015). Collection method: clinical testing. Allele origin: germline.
Comment: Algorithms developed to predict the effect of missense changes on protein structure and function output the following: SIFT: "Deleterious"; PolyPhen-2: "Possibly Damaging"; Align-GVGD: "Class C55". The threonine amino acid residue is found in multiple mammalian species, which suggests that this missense change does not adversely affect protein function. This variant has not been reported in the literature in individuals affected with ACADSB-related conditions. This variant is present in population databases (rs145529589, gnomAD 0.02%). This sequence change replaces alanine, which is neutral and non-polar, with threonine, which is neutral and polar, at codon 214 of the ACADSB protein (p.Ala214Thr). In summary, the available evidence is currently insufficient to determine the role of this variant in disease. Therefore, it has been classified as a Variant of Uncertain Significance.